The following is an entry in ClinVar:

ClinVar aggregate classification (germline): Pathogenic. Review status: reviewed by expert panel (3 of 4 stars). 43 submissions from 43 submitters: Pathogenic (1). 42 of the submissions do not count toward it. Last evaluated 2016-09-08.

Conditions:
BRCA1-related disorder. Also called: BRCA1-related condition.
Pancreatic cancer, susceptibility to, 4. Identifiers: Orphanet 1333, MedGen C3280442, MONDO:0013685, OMIM 614320.
Breast-ovarian cancer, familial, susceptibility to, 1 (BROVCA1). Also called: BRCA1 Hereditary Breast and Ovarian Cancer; OVARIAN CANCER, SUSCEPTIBILITY TO. Identifiers: Orphanet 145, MedGen C2676676, MONDO:0011450, OMIM 604370. Disease mechanism: loss of function.
Fanconi anemia, complementation group S (FANCS). Identifiers: MedGen C4554406, MONDO:0054748, OMIM 617883.
BRCA1-related cancer predisposition. Identifiers: MedGen CN377757, MONDO:0700268.
Inherited ovarian cancer (without breast cancer).
Hereditary cancer-predisposing syndrome. Also called: Neoplastic Syndromes, Hereditary; Hereditary neoplastic syndrome; Hereditary Cancer Syndrome; Tumor predisposition. Identifiers: Orphanet 140162, MedGen C0027672, MeSH D009386, MONDO:0015356.
Ovarian cancer. Also called: OVARIAN CANCER, SOMATIC. Identifiers: Orphanet 213500, MedGen C1140680, MONDO:0008170, OMIM 167000.
Hereditary breast ovarian cancer syndrome. Also called: Hereditary breast and ovarian cancer syndrome (HBOC); Breast and ovarian cancer; BRCA1- and BRCA2-Associated Hereditary Breast and Ovarian Cancer; Hereditary breast and ovarian cancer syndrome; Hereditary breast and ovarian cancer; Hereditary breast and/or ovarian cancer syndrome. Identifiers: Orphanet 145, MedGen C0677776, MeSH D061325, MONDO:0003582. Disease mechanism: loss of function.
Carcinoma of pancreas. Also called: Pancreatic carcinoma, somatic; Exocrine pancreatic carcinoma; Pancreatic cancer, somatic; PANCREATIC ACINAR CARCINOMA; PANCREATIC CARCINOMA. Identifiers: Orphanet 1333, Orphanet 217074, MedGen C0235974, MONDO:0005192. Disease mechanism: loss of function.
Ovarian neoplasm. Also called: Ovarian Neoplasms; Ovarian tumor; Neoplasm of ovary. Identifiers: MedGen C0919267, MeSH D010051, MONDO:0021068, HP:0100615.
Breast carcinoma. Also called: Carcinoma of breast. Identifiers: MedGen C0678222, MONDO:0004989, HP:0003002.

Submissions 1 to 8 of 43:

Evidence-based Network for the Interpretation of Germline Mutant Alleles (ENIGMA)
Classification: Pathogenic for Breast-ovarian cancer, familial, susceptibility to, 1. Last evaluated: 2016-09-08. Review status: reviewed by expert panel. Criteria: ENIGMA BRCA1/2 Classification Criteria (2015). Collection method: curation. Allele origin: germline.
Comment: Variant allele predicted to encode a truncated non-functional protein.

Genetics Laboratory, Great Ormond Street Hospital NHS Foundation Trust, North Thames Genomic Laboratory Hub
Classification: Pathogenic for Inherited ovarian cancer (without breast cancer). Last evaluated: 2026-01-22. Review status: criteria provided, single submitter. Criteria: CanVIG BRCA Gene Specific V1.22. Collection method: clinical testing. Allele origin: germline. Affected: yes. Not counted in ClinVar's aggregate classification.
Comment: PS4_strong, PM2_supporting, PVS1_very-strong, PM5_strong

Labcorp Genetics (formerly Invitae), Labcorp
Classification: Pathogenic for Hereditary breast ovarian cancer syndrome. Last evaluated: 2026-01-20. Review status: criteria provided, single submitter. Criteria: Invitae Variant Classification Sherloc (09022015). Collection method: clinical testing. Allele origin: germline. Not counted in ClinVar's aggregate classification.
Comment: This sequence change creates a premature translational stop signal (p.Glu1257Glyfs*9) in the BRCA1 gene. It is expected to result in an absent or disrupted protein product. Loss-of-function variants in BRCA1 are known to be pathogenic (PMID: 20104584). This variant is present in population databases (rs80357993, gnomAD 0.003%). This premature translational stop signal has been observed in individual(s) with breast and ovarian cancer (PMID: 16683254, 17319787, 18627636, 23479189, 23683081). This variant is also known as 3890_3891delAG and 3889delAG. ClinVar contains an entry for this variant (Variation ID: 37546). For these reasons, this variant has been classified as Pathogenic.

Institute of Human Genetics, FAU Erlangen, Friedrich-Alexander-Universität Erlangen-Nürnberg
Classification: Pathogenic. Last evaluated: 2025-08-08. Review status: criteria provided, single submitter. Criteria: Hauer et al. (Genet Med. 2018). Collection method: clinical testing. Allele origin: germline. Inheritance: Unknown mechanism. Affected: yes. Observed: 1 variant allele. Not counted in ClinVar's aggregate classification.
Comment: This variant has been identified by standard clinical testing.

Institute of Immunology and Genetics Kaiserslautern
Classification: Pathogenic for Breast-ovarian cancer, familial, susceptibility to, 1. Last evaluated: 2025-07-29. Review status: criteria provided, single submitter. Criteria: ACMG Guidelines, 2015. Collection method: clinical testing. Allele origin: germline. Affected: yes. Not counted in ClinVar's aggregate classification.
Comment: ACMG Criteria: PVS1, PM2, PP5_M.

ARUP Laboratories, Molecular Genetics and Genomics, ARUP Laboratories
Classification: Pathogenic. Last evaluated: 2025-05-20. Review status: criteria provided, single submitter. Criteria: ARUP Molecular Germline Variant Investigation Process 2024. Collection method: clinical testing. Allele origin: germline. Not counted in ClinVar's aggregate classification.
Comment: The BRCA1 c.3770_3771delAG; p.Glu1257fs variant (rs80357579, ClinVar Variation ID: 37546), also known as 3890_3891delAG and 3889delAG, has been described in individuals affected with breast and ovarian cancer (Blay 2013, de Juan Jimenez 2013, Takahashi 1995, Thirthagiri 2008, van der Hout 2006). This variant is only observed on 2 alleles in the Genome Aggregation Database (v2.1.1), indicating it is not a common polymorphism. This variant creates a frameshift by deleting 2 nucleotides, so it is predicted to result in a truncated protein or mRNA subject to nonsense-mediated decay. Based on available information, this variant is considered to be pathogenic. References: Blay P et al. Mutational analysis of BRCA1 and BRCA2 in hereditary breast and ovarian cancer families from Asturias (Northern Spain). BMC Cancer. 2013 May 17;13:243. PMID: 23683081 de Juan Jimenez I et al. Novel and recurrent BRCA1/BRCA2 mutations in early onset and familial breast and ovarian cancer detected in the Program of Genetic Counseling in Cancer of Valencian Community (eastern Spain). Relationship of family phenotypes with mutation prevalence. Fam Cancer. 2013 Dec;12(4):767-77. PMID: 23479189 Takahashi H et al. Mutation analysis of the BRCA1 gene in ovarian cancers. Cancer Res. 1995 Jul 15;55(14):2998-3002. PMID: 7606717 Thirthagiri E et al. Evaluation of BRCA1 and BRCA2 mutations and risk-prediction models in a typical Asian country (Malaysia) with a relatively low incidence of breast cancer. Breast Cancer Res. 2008;10(4):R59. PMID: 18627636 van der Hout A et al. A DGGE system for comprehensive mutation screening of BRCA1 and BRCA2: application in a Dutch cancer clinic setting. Hum Mutat. 2006 Jul;27(7):654-66. PMID: 16683254

Center for Genomic Medicine, Rigshospitalet, Copenhagen University Hospital
Classification: Pathogenic. Last evaluated: 2025-03-04. Review status: criteria provided, single submitter. Criteria: ACMG Guidelines, 2015. Collection method: clinical testing. Allele origin: germline. Not counted in ClinVar's aggregate classification.

GeneDx
Classification: Pathogenic. Last evaluated: 2025-02-04. Review status: criteria provided, single submitter. Criteria: GeneDx Variant Classification Process June 2021. Collection method: clinical testing. Allele origin: germline. Affected: yes. Not counted in ClinVar's aggregate classification.
Comment: Frameshift variant predicted to result in protein truncation or nonsense mediated decay in a gene for which loss of function is a known mechanism of disease; Observed in individuals with a personal or family history consistent with pathogenic variants in this gene (PMID: 7606717, 12181777, 20033483, 26439132, 31815095, 31528241); Truncating variants in this gene are considered pathogenic by a well-established clinical consortium and/or database; Not observed at significant frequency in large population cohorts (gnomAD); Also known as 3889_3890delAG; This variant is associated with the following publications: (PMID: 25802882, 16758124, 11597388, 28127413, 28477318, 30078507, 29922827, 28888541, 29884136, 33858029, 30350268, 32318955, 8807330, 11106241, 24289553, 26439132, 26026974, 26757417, 20033483, 19941167, 23317271, 17076205, 12181777, 23683081, 21559243, 20960228, 7606717, 26911350, 27983536, 27393621, 27836010, 26848529, 27553291, 29215753, 28176296, 29093764, 28152038, 27062684, 28528518, 29339979, 29752822, 29907814, 29470806, 28724667, 28993434, 30675318, 30702160, 30720863, 30720243, 30972954, 31815095, 31528241, 31957001, 31447099, 23479189, 31589614, 32341426, 31825140, 32885271, 33151324, 31742824, 34254208, 34645131, 35377489, 33842585, 36329109, 38439815, 33471991, 38922859, 39513675, 36833268, 36367610, 34981296, 37310942, 29053726, 33047316, 34887416, 33850299, 35864222)

NM_007294.4(BRCA1):c.3770_3771del (p.Glu1257fs)

Genes: BRCA1 (BRCA1 DNA repair associated; minus strand), LOC126862571 (BRD4-independent group 4 enhancer GRCh37_chr17:41243136-41244335; plus strand). Cytogenetic location: 17q21.31.
Variant type: Microsatellite.
Coding change: c.3770_3771del on transcript NM_007294.4 (MANE Select); coding-DNA positions 3770 to 3771, 2 bases deleted (AG; older notation c.3770_3771delAG).
Protein change: p.Glu1257fs; shifts the reading frame from glutamic acid 1257.
Molecular consequence: frameshift variant. On other transcripts: intron variant (135).
Genome position (GRCh38, 1-based): chr17:43,091,760-43,091,761, CT deleted on the plus strand (AG on the coding strand, the reverse complement: BRCA1 is on the minus strand); deleting any 2 consecutive bases within chr17:43,091,760-43,091,763 gives the same sequence; the c. name uses the placement nearest the transcript's 3' end. VCF-style (leftmost placement, unchanged base first): chr17-43091759-CCT-C. GRCh37 (hg19) VCF-style: chr17-41243776-CCT-C.
Other names: 3888delGA; 3889delAG; c.3769_3770del (U14680.1); c.3770_3771delAG (NM_007294.3, NM_007294.4, NM_007300.3); c.3557_3558del, p.Glu1186fs (NM_001407571.1, NM_001407853.1, NM_001407894.1 and 9 more transcripts); c.3770_3771del, p.Glu1257fs (NM_001407581.1, NM_001407582.1, NM_001407583.1 and 30 more transcripts); c.3767_3768del, p.Glu1256fs (NM_001407587.1, NM_001407590.1, NM_001407591.1 and 22 more transcripts); c.3761_3762del, p.Glu1254fs (NM_001407646.1, NM_001407647.1); and 45 more; short protein forms E1257fs, E1210fs, E1089fs, E1130fs, E1145fs, E1209fs, E1216fs, E1231fs.
Identifiers: ClinVar variation 37546 (VCV000037546.87), dbSNP rs80357579, ClinGen allele CA002424.